The following is an entry in ClinVar:

ClinVar aggregate classification (germline): Uncertain significance. Review status: criteria provided, multiple submitters, no conflicts (2 of 4 stars). 2 submissions from 2 submitters: Uncertain significance (2). Last evaluated 2024-06-26.

Conditions:
Vesicoureteral reflux 2 (VUR2). Identifiers: Orphanet 289365, MedGen C1970483, MONDO:0012573, OMIM 610878.

gnomAD v4.1: 59 of 1,614,018 alleles (0.0037%); highest among the groups gnomAD compares: South Asian, 0.021%; no homozygotes.

Submissions (2):

Labcorp Genetics (formerly Invitae), Labcorp
Classification: Uncertain significance. Last evaluated: 2024-06-26. Review status: criteria provided, single submitter. Criteria: Invitae Variant Classification Sherloc (09022015). Collection method: clinical testing. Allele origin: germline.
Comment: This sequence change replaces threonine, which is neutral and polar, with methionine, which is neutral and non-polar, at codon 966 of the ROBO2 protein (p.Thr966Met). This variant is present in population databases (rs767565581, gnomAD 0.01%). This variant has not been reported in the literature in individuals affected with ROBO2-related conditions. Advanced modeling of protein sequence and biophysical properties (such as structural, functional, and spatial information, amino acid conservation, physicochemical variation, residue mobility, and thermodynamic stability) performed at Invitae indicates that this missense variant is not expected to disrupt ROBO2 protein function with a negative predictive value of 95%. In summary, the available evidence is currently insufficient to determine the role of this variant in disease. Therefore, it has been classified as a Variant of Uncertain Significance.

Fulgent Genetics
Classification: Uncertain significance for Vesicoureteral reflux 2. Last evaluated: 2024-01-02. Review status: criteria provided, single submitter. Criteria: ACMG Guidelines, 2015. Collection method: clinical testing. Allele origin: germline.

NM_001395656.1(ROBO2):c.2909C>T (p.Thr970Met)

Gene: ROBO2 (roundabout guidance receptor 2; plus strand). Cytogenetic location: 3p12.3.
Variant type: single nucleotide variant.
Coding change: c.2909C>T on transcript NM_001395656.1 (MANE Select); coding-DNA position 2909, C replaced by T.
Protein change: p.Thr970Met; replaces threonine 970 with methionine.
Molecular consequence: missense variant.
Genome position (GRCh38, 1-based): chr3:77,602,252, C>T. VCF-style: chr3-77602252-C-T. GRCh37 (hg19) VCF-style: chr3-77651403-C-T.
Other names: c.2945C>T, p.Thr982Met (NM_001128929.3); c.2909C>T, p.Thr970Met (NM_001290039.2, NM_001290040.2, NM_001378202.1); c.1118C>T, p.Thr373Met (NM_001290065.2); c.2957C>T, p.Thr986Met (NM_001378190.1, NM_001378191.1, NM_001378195.1 and 4 more transcripts); c.2978C>T, p.Thr993Met (NM_001378192.1, NM_001378194.1, NM_001378198.1 and 2 more transcripts); c.2897C>T, p.Thr966Met (NM_001378193.1, NM_001378197.1, NM_002942.5); c.2966C>T, p.Thr989Met (NM_001394212.1, NM_001394214.1, NM_001395657.1); short protein forms T966M, T982M, T373M, T970M, T993M, T986M, T989M.
Identifiers: ClinVar variation 3589583 (VCV003589583.3).